The following is an entry in ClinVar:

NM_004960.4(FUS):c.760A>G (p.Met254Val)

Gene: FUS (FUS RNA binding protein; plus strand). Cytogenetic location: 16p11.2.
Variant type: single nucleotide variant.
Coding change: c.760A>G on transcript NM_004960.4 (MANE Select); coding-DNA position 760, A replaced by G.
Protein change: p.Met254Val; replaces methionine 254 with valine.
Molecular consequence: missense variant. On other transcripts: non-coding transcript variant (1).
Genome position (GRCh38, 1-based): chr16:31,185,175, A>G. VCF-style: chr16-31185175-A-G. GRCh37 (hg19) VCF-style: chr16-31196496-A-G.
Other names: c.757A>G, p.Met253Val (NM_001170634.1); c.748A>G, p.Met250Val (NM_001170937.1); short protein forms M254V, M250V, M253V.
Identifiers: ClinVar variation 427141 (VCV000427141.2), dbSNP rs752076094, ClinGen allele CA8023782.

ClinVar aggregate classification (germline): Likely pathogenic (1 of 4 stars; one submission).

Allele frequency attached by ClinVar (database versions not stated): gnomAD exomes 0.00001; ExAC 0.00002; TOPMed 0.00002; gnomAD 0.00003.
gnomAD v4.1: 22 of 1,608,436 alleles (0.0014%); highest among the groups gnomAD compares: South Asian, 0.0044%; no homozygotes.

Submission:

GeneDx
Classification: Likely pathogenic. Last evaluated: 2015-05-21. Review status: criteria provided, single submitter. Criteria: GeneDx Variant Classification (06012015). Collection method: clinical testing. Allele origin: germline. Affected: yes.
Comment: The M254V variant was not observed in approximately 6,500 individuals of European and African American ancestry in the NHLBI Exome Sequencing Project, indicating it is not a common benign variant in these populations. The M254V variant is a conservative amino acid substitution, which occurs at a position that is conserved across species. This substitution occurs within the RGG1 region, which is a hot spot for pathogenic variants (Nomura et al., 2014). In addition, a missense variant in a nearby residue (R244C) has been reported in the Human Gene Mutation Database in association with amyotrophic lateral sclerosis (Stenson et al., 2014), supporting the functional importance of this region of the protein. However, in silico analysis is inconsistent in its predictions as to whether or not the variant is damaging to the protein structure/function. Given the available evidence, we consider M254V to be a strong candidate for a disease-causing variant. However, the possibility that M254V may be a rare benign variant cannot be excluded